The following is an entry in ClinVar:

NM_001134363.3(RBM20):c.165A>C (p.Gln55His)

Gene: RBM20 (RNA binding motif protein 20; plus strand). Cytogenetic location: 10q25.2.
Variant type: single nucleotide variant.
Coding change: c.165A>C on transcript NM_001134363.3 (MANE Select); coding-DNA position 165, A replaced by C.
Protein change: p.Gln55His; replaces glutamine 55 with histidine.
Molecular consequence: missense variant.
Genome position (GRCh38, 1-based): chr10:110,644,619, A>C. VCF-style: chr10-110644619-A-C. GRCh37 (hg19) VCF-style: chr10-112404377-A-C.
Other names: short protein forms Q55H.
Identifiers: ClinVar variation 3233200 (VCV003233200.1), dbSNP rs2493192822, ClinGen allele CA378527929.
Genomic context (GRCh38, chr10:110,644,619, plus strand): 5'-CTCCGGCCCGCGAGGGATGCAGCAGCCGCCGCCGCCGCCCCAGCCACCGCCCCCGCCCCA[A>C]GCCGGCCTACCCCAGATCATCCAAAAGTAAGAAGGGAGAAGGGAACAGGGACCACGGGTG-3'
Protein context (NP_001127835.2, residues 45-65): PPPPQPPPPP[Gln55His]AGLPQIIQNA

ClinVar aggregate classification (germline): Uncertain significance (1 of 4 stars; one submission).

Conditions:
Cardiovascular phenotype. Identifiers: MedGen CN230736.

Submission:

Ambry Genetics
Classification: Uncertain significance for Cardiovascular phenotype. Last evaluated: 2023-09-30. Review status: criteria provided, single submitter. Criteria: Ambry Variant Classification Scheme 2023. Collection method: clinical testing. Allele origin: germline.
Comment: The p.Q55H variant (also known as c.165A>C), located in coding exon 1 of the RBM20 gene, results from an A to C substitution at nucleotide position 165. The glutamine at codon 55 is replaced by histidine, an amino acid with highly similar properties. This amino acid position is conserved. In addition, this alteration is predicted to be tolerated by in silico analysis. Since supporting evidence is limited at this time, the clinical significance of this alteration remains unclear.